The following is an entry in ClinVar:

ClinVar aggregate classification (germline): Uncertain significance (1 of 4 stars; one submission).

Conditions:
Inflammatory bowel disease 13 (IBD13). Also called: Inflammatory bowel disease 13, susceptibility to. Identifiers: MedGen C2677101, MONDO:0012831, OMIM 612244.

Allele frequency attached by ClinVar (database versions not stated): gnomAD 0.00001; TOPMed 0.00001; gnomAD exomes 0.00002.
gnomAD v4.1: 28 of 1,614,100 alleles (0.0017%); highest among the groups gnomAD compares: Non-Finnish European, 0.0023%; no homozygotes.

Submission:

Baylor Genetics
Classification: Uncertain significance for Inflammatory bowel disease 13. Last evaluated: 2018-05-15. Review status: criteria provided, single submitter. Criteria: ACMG Guidelines, 2015. Collection method: clinical testing. Allele origin: paternal. Affected: yes.
Comment: This variant was determined to be of uncertain significance according to ACMG Guidelines, 2015 [PMID:25741868].

NM_001348946.2(ABCB1):c.480A>G (p.Ile160Met)

Gene: ABCB1 (ATP binding cassette subfamily B member 1; minus strand). Cytogenetic location: 7q21.12.
Variant type: single nucleotide variant.
Coding change: c.480A>G on transcript NM_001348946.2 (MANE Select); coding-DNA position 480, A replaced by G.
Protein change: p.Ile160Met; replaces isoleucine 160 with methionine.
Molecular consequence: missense variant.
Genome position (GRCh38, 1-based): chr7:87,566,835, T>C on the plus strand (A>G on the coding strand, the complement: ABCB1 is on the minus strand). VCF-style: chr7-87566835-T-C. GRCh37 (hg19) VCF-style: chr7-87196151-T-C.
Other names: c.480A>G, p.Ile160Met (NM_000927.5, NM_001348944.2); c.690A>G, p.Ile230Met (NM_001348945.2); short protein forms I160M, I230M.
Identifiers: ClinVar variation 1033150 (VCV001033150.1), dbSNP rs200823786, ClinGen allele CA162470471.